The following is an entry in ClinVar:

NM_000829.4(GRIA4):c.1981C>G (p.Leu661Val)

Gene: GRIA4 (glutamate ionotropic receptor AMPA type subunit 4; plus strand). Cytogenetic location: 11q22.3.
Variant type: single nucleotide variant.
Coding change: c.1981C>G on transcript NM_000829.4 (MANE Select); coding-DNA position 1981, C replaced by G.
Protein change: p.Leu661Val; replaces leucine 661 with valine.
Molecular consequence: missense variant. On other transcripts: non-coding transcript variant (1), intron variant (2).
Genome position (GRCh38, 1-based): chr11:105,926,874, C>G. VCF-style: chr11-105926874-C-G. GRCh37 (hg19) VCF-style: chr11-105797600-C-G.
Other names: c.1774C>G, p.Leu592Val (NM_001440394.1); c.1981C>G, p.Leu661Val (NM_001440395.1, NM_001440396.1, NM_001440397.1 and 10 more transcripts); c.1455+7977C>G (NM_001440398.1); c.1158+21573C>G (NM_001440399.1); c.1960C>G, p.Leu654Val (NM_001440388.1, NM_001440389.1, NM_001440390.1); short protein forms L592V, L654V, L661V.
Identifiers: ClinVar variation 4851820 (VCV004851820.1).
Genomic context (GRCh38, chr11:105,926,874, plus strand): 5'-AACCTCGCTGCTTTCCTGACGGTTGAGCGAATGGTCTCTCCCATAGAAAGTGCAGAAGAC[C>G]TGGCCAAACAAACAGAAATTGCCTATGGAACACTGGATTCAGGATCAACAAAAGAATTCT-3'
Protein context (NP_000820.4, residues 651-671): MVSPIESAED[Leu661Val]AKQTEIAYGT

ClinVar aggregate classification (germline): Uncertain significance (1 of 4 stars; one submission).

Submission:

Dasa
Classification: Uncertain significance. Last evaluated: 2025-12-15. Review status: criteria provided, single submitter. Criteria: DASA Assertion Criteria. Collection method: clinical testing. Allele origin: germline.
Comment: NM_000829.4(GRIA4):c.1981C>G (p.Leu661Val) is a missense variant that results in the substitution of leucine with valine. The variant is present at low frequency in population datasets. Based on the available data, this variant is classified as variant of uncertain significance.